The following is an entry in ClinVar:

ClinVar aggregate classification (germline): Likely benign (0 of 4 stars; one submission).

Conditions:
PLXNA1-related disorder. Also called: PLXNA1-related condition.

gnomAD v4.1: 4 of 1,613,718 alleles (0.00025%); highest among the groups gnomAD compares: Non-Finnish European, 0.00025%; no homozygotes.

Submission:

PreventionGenetics, part of Exact Sciences
Classification: Likely benign for PLXNA1-related condition. Last evaluated: 2023-03-11. Review status: no assertion criteria provided. Collection method: clinical testing. Allele origin: germline.
Comment: This variant is classified as likely benign based on ACMG/AMP sequence variant interpretation guidelines (Richards et al. 2015 PMID: 25741868, with internal and published modifications).

NM_032242.4(PLXNA1):c.1968C>T (p.Phe656=)

Gene: PLXNA1 (plexin A1; plus strand). Cytogenetic location: 3q21.3.
Variant type: single nucleotide variant.
Coding change: c.1968C>T on transcript NM_032242.4 (MANE Select); coding-DNA position 1968, C replaced by T.
Protein change: p.Phe656=; no amino-acid change (phenylalanine 656 retained).
Molecular consequence: synonymous variant.
Genome position (GRCh38, 1-based): chr3:127,006,149, C>T. VCF-style: chr3-127006149-C-T. GRCh37 (hg19) VCF-style: chr3-126724992-C-T.
Identifiers: ClinVar variation 3351960 (VCV003351960.1).